The following is an entry in ClinVar:

ClinVar aggregate classification (germline): Uncertain significance (1 of 4 stars; one submission).

Submission:

GeneDx
Classification: Uncertain significance. Last evaluated: 2025-01-15. Review status: criteria provided, single submitter. Criteria: GeneDx Variant Classification Process June 2021. Collection method: clinical testing. Allele origin: germline. Affected: yes.
Comment: Not observed at significant frequency in large population cohorts (gnomAD); In silico analysis supports that this missense variant has a deleterious effect on protein structure/function; Has not been previously published as pathogenic or benign to our knowledge; This variant is associated with the following publications: (PMID: 21520338, 31554319, 9590290)

NM_005422.4(TECTA):c.305A>G (p.Asp102Gly)

Genes: TBCEL-TECTA (TBCEL-TECTA readthrough; plus strand), TECTA (tectorin alpha; plus strand). Cytogenetic location: 11q23.3.
Variant type: single nucleotide variant.
Coding change: c.305A>G on transcript NM_005422.4 (MANE Select); coding-DNA position 305, A replaced by G.
Protein change: p.Asp102Gly; replaces aspartic acid 102 with glycine.
Molecular consequence: missense variant.
Genome position (GRCh38, 1-based): chr11:121,109,317, A>G. VCF-style: chr11-121109317-A-G. GRCh37 (hg19) VCF-style: chr11-120980026-A-G.
Other names: c.1262A>G, p.Asp421Gly (NM_001378761.1); short protein forms D102G, D421G.
Identifiers: ClinVar variation 4070740 (VCV004070740.1).